The following is an entry in ClinVar:

ClinVar aggregate classification (germline): Likely benign (1 of 4 stars; one submission).

gnomAD v4.1: 1 of 1,231,664 alleles (0.000081%); highest among the groups gnomAD compares: Non-Finnish European, 0.0001%; no homozygotes.

Submission:

CeGaT Center for Human Genetics Tuebingen
Classification: Likely benign. Last evaluated: 2025-03-01. Review status: criteria provided, single submitter. Criteria: CeGaT Center For Human Genetics Tuebingen Variant Classification Criteria Version 2. Collection method: clinical testing. Allele origin: germline. Affected: yes. Observed: 1 variant allele.
Comment: ERFL: BP4, BP7

NM_001365103.2(ERFL):c.501C>T (p.Thr167=)

Genes: ARHGEF1 (Rho guanine nucleotide exchange factor 1; plus strand), ERFL (ETS repressor factor like; minus strand). Cytogenetic location: 19q13.2.
Variant type: single nucleotide variant.
Coding change: c.501C>T on transcript NM_001365103.2 (MANE Select); coding-DNA position 501, C replaced by T.
Protein change: p.Thr167=; no amino-acid change (threonine 167 retained).
Molecular consequence: synonymous variant. On other transcripts: intron variant (2).
Genome position (GRCh38, 1-based): chr19:41,909,175, G>A on the plus strand (C>T on the coding strand, the complement: ERFL is on the minus strand). VCF-style: chr19-41909175-G-A. GRCh37 (hg19) VCF-style: chr19-42413327-G-A.
Other names: c.2592+2372G>A (NM_001396003.1); c.2493+2372G>A (NM_001396002.1).
Identifiers: ClinVar variation 3778512 (VCV003778512.7).